The following is an entry in ClinVar:

NM_001062.4(TCN1):c.1262G>A (p.Arg421His)

Gene: TCN1 (transcobalamin 1; minus strand). Cytogenetic location: 11q12.1.
Variant type: single nucleotide variant.
Coding change: c.1262G>A on transcript NM_001062.4 (MANE Select); coding-DNA position 1262, G replaced by A.
Protein change: p.Arg421His; replaces arginine 421 with histidine.
Molecular consequence: missense variant.
Genome position (GRCh38, 1-based): chr11:59,853,015, C>T on the plus strand (G>A on the coding strand, the complement: TCN1 is on the minus strand). VCF-style: chr11-59853015-C-T. GRCh37 (hg19) VCF-style: chr11-59620488-C-T.
Other names: short protein forms R421H.
Identifiers: ClinVar variation 972460 (VCV000972460.8), dbSNP rs189696084, ClinGen allele CA6021735.

ClinVar aggregate classification (germline): Uncertain significance (1 of 4 stars; one submission).

Conditions:
Transcobalamin I deficiency (TCN1D). Also called: COBALAMIN PSEUDODEFICIENCY DUE TO TRANSCOBALAMIN DEFICIENCY; COBALAMIN R BINDER PROTEIN DEFICIENCY; TCN1 DEFICIENCY. Identifiers: Orphanet 2967, MedGen C0342700, MONDO:0008659, OMIM 193090.

Allele frequency attached by ClinVar (database versions not stated): ESP Exome Variant Server 0.00008; ExAC 0.00012; gnomAD 0.00012 and 0.00013; gnomAD exomes 0.00012; 1000 Genomes Project 30x 0.00016; TOPMed 0.00005.
gnomAD v4.1: 176 of 1,614,126 alleles (0.011%); highest among the groups gnomAD compares: African/African-American, 0.017%; no homozygotes.

Submission:

Labcorp Genetics (formerly Invitae), Labcorp
Classification: Uncertain significance for Transcobalamin I deficiency. Last evaluated: 2025-10-10. Review status: criteria provided, single submitter. Criteria: Invitae Variant Classification Sherloc (09022015). Collection method: clinical testing. Allele origin: germline.
Comment: This sequence change replaces arginine, which is basic and polar, with histidine, which is basic and polar, at codon 421 of the TCN1 protein (p.Arg421His). This variant is present in population databases (rs189696084, gnomAD 0.02%). This variant has not been reported in the literature in individuals affected with TCN1-related conditions. ClinVar contains an entry for this variant (Variation ID: 972460). An algorithm developed to predict the effect of missense changes on protein structure and function outputs the following: PolyPhen-2: "Benign". The histidine amino acid residue is found in multiple mammalian species, which suggests that this missense change does not adversely affect protein function. In summary, the available evidence is currently insufficient to determine the role of this variant in disease. Therefore, it has been classified as a Variant of Uncertain Significance.